The following is an entry in ClinVar:

NM_000747.3(CHRNB1):c.532G>C (p.Glu178Gln)

Gene: CHRNB1 (cholinergic receptor nicotinic beta 1 subunit; plus strand). Cytogenetic location: 17p13.1.
Variant type: single nucleotide variant.
Coding change: c.532G>C on transcript NM_000747.3 (MANE Select); coding-DNA position 532, G replaced by C.
Protein change: p.Glu178Gln; replaces glutamic acid 178 with glutamine.
Molecular consequence: missense variant.
Genome position (GRCh38, 1-based): chr17:7,447,572, G>C. VCF-style: chr17-7447572-G-C. GRCh37 (hg19) VCF-style: chr17-7350891-G-C.
Other names: short protein forms E178Q.
Identifiers: ClinVar variation 1390329 (VCV001390329.8), dbSNP rs1475474681, ClinGen allele CA397792908.

ClinVar aggregate classification (germline): Uncertain significance (1 of 4 stars; one submission).

Conditions:
Congenital myasthenic syndrome 2A. Also called: Myasthenic syndrome, congenital, 2a, slow-channel. Identifiers: Orphanet 590, MedGen C4225374, MONDO:0014581, OMIM 616313.

Allele frequency attached by ClinVar (database versions not stated): gnomAD exomes below 0.00001; gnomAD 0.00001; TOPMed 0.00001.
gnomAD v4.1: 2 of 1,614,066 alleles (0.00012%); highest among the groups gnomAD compares: Admixed American, 0.0033%; no homozygotes.

Submission:

Labcorp Genetics (formerly Invitae), Labcorp
Classification: Uncertain significance for Congenital myasthenic syndrome 2A. Last evaluated: 2022-08-16. Review status: criteria provided, single submitter. Criteria: Invitae Variant Classification Sherloc (09022015). Collection method: clinical testing. Allele origin: germline.
Comment: This variant has not been reported in the literature in individuals affected with CHRNB1-related conditions. This variant is present in population databases (no rsID available, gnomAD 0.003%). This sequence change replaces glutamic acid, which is acidic and polar, with glutamine, which is neutral and polar, at codon 178 of the CHRNB1 protein (p.Glu178Gln). In summary, the available evidence is currently insufficient to determine the role of this variant in disease. Therefore, it has been classified as a Variant of Uncertain Significance. Advanced modeling of protein sequence and biophysical properties (such as structural, functional, and spatial information, amino acid conservation, physicochemical variation, residue mobility, and thermodynamic stability) performed at Invitae indicates that this missense variant is not expected to disrupt CHRNB1 protein function. ClinVar contains an entry for this variant (Variation ID: 1390329).